The following is an entry in ClinVar:

ClinVar aggregate classification (germline): Pathogenic (1 of 4 stars; one submission).

Submission:

Labcorp Genetics (formerly Invitae), Labcorp
Classification: Pathogenic. Last evaluated: 2021-04-03. Review status: criteria provided, single submitter. Criteria: Invitae Variant Classification Sherloc (09022015). Collection method: clinical testing. Allele origin: germline.
Comment: For these reasons, this variant has been classified as Pathogenic. Retrotransposon insertions including LINE1 (L1), Alu, and SVA (SINE-VNTR-Alu) have been reported to be disease-causing through disruption of either a coding region or splice site (PMID: 19763152, 20307669, 22406018) and loss-of-function variants in NBAS are known to be pathogenic (PMID: 26073778, 26541327, 27789416, 28031453). This variant is not present in population databases (ExAC no frequency). This variant has not been reported in the literature in individuals with NBAS-related conditions. This sequence change inserts a large fragment of DNA, likely a transposable element, in exon 43 of the NBAS gene (c.5170_5171ins?), causing a frameshift at codon 1723 (p.Ala1723fs). The exact size and sequence of the insertion cannot be determined by the current assay. However, the insertion is expected to result in an absent or disrupted protein product. Algorithms developed to predict the effect of sequence changes on RNA splicing suggest that this variant may create or strengthen a splice site, but this prediction has not been confirmed by published transcriptional studies.

Literature cited by the submitters: PubMed 19763152; PubMed 20307669; PubMed 22406018; PubMed 26073778; PubMed 26541327; PubMed 27789416; PubMed 28031453.

NM_015909.4(NBAS):c.5170_5171insTCACGCCTGTAATCCCAGCACTTTGGGAGGCCGAGGCGGGTGGATCATGAGGTCAGGAGATCGAGACCATCCTGGCTAACAAGGTGAAANNNNNNNNNNAAAAAAAAAAAAAAAAAAAAGAAAATAGAGCCC (p.Gln1724delinsLeuThrProValIleProAlaLeuTrpGluAlaGluAlaGlyGlySerTer)

Gene: NBAS (NBAS subunit of NRZ tethering complex; minus strand). Cytogenetic location: 2p24.3.
Variant type: Insertion.
Coding change: c.5170_5171insTCACGCCTGTAATCCCAGCACTTTGGGAGGCCGAGGCGGGTGGATCATGAGGTCAGGAGATCGAGACCATCCTGGCTAACAAGGTGAAANNNNNNNNNNAAAAAAAAAAAAAAAAAAAAGAAAATAGAGCCC on transcript NM_015909.4 (MANE Select); coding-DNA positions 5170 to 5171, TCACGCCTGTAATCCCAGCACTTTGGGAGGCCGAGGCGGGTGGATCATGAGGTCAGGAGATCGAGACCATCCTGGCTAACAAGGTGAAANNNNNNNNNNAAAAAAAAAAAAAAAAAAAAGAAAATAGAGCCC inserted.
Protein change: p.Gln1724delinsLeuThrProValIleProAlaLeuTrpGluAlaGluAlaGlyGlySerTer.
Molecular consequence: nonsense. On other transcripts: non-coding transcript variant (1).
Genome position: GRCh38: chr2:15,277,082-15,277,083. GRCh37 (hg19): chr2:15,417,206-15,417,207.
Identifiers: ClinVar variation 1456419 (VCV001456419.6), dbSNP rs2148059524.